The following is an entry in ClinVar:

NM_001048174.2(MUTYH):c.107C>G (p.Ala36Gly)

Gene: MUTYH (mutY DNA glycosylase; minus strand). Cytogenetic location: 1p34.1.
Variant type: single nucleotide variant.
Coding change: c.107C>G on transcript NM_001048174.2 (MANE Select); coding-DNA position 107, C replaced by G.
Protein change: p.Ala36Gly; replaces alanine 36 with glycine.
Molecular consequence: missense variant. On other transcripts: 5 prime UTR variant (7), non-coding transcript variant (7).
Genome position (GRCh38, 1-based): chr1:45,334,399, G>C on the plus strand (C>G on the coding strand, the complement: MUTYH is on the minus strand). VCF-style: chr1-45334399-G-C. GRCh37 (hg19) VCF-style: chr1-45800071-G-C.
Other names: c.-106C>G (NM_001293192.2, NM_001293196.2, NM_001407091.1); c.107C>G, p.Ala36Gly (NM_001293195.2, NM_001048171.2, NM_001048172.2 and 15 more transcripts); c.-101C>G (NM_001350651.2, NM_001407082.1); c.-165C>G (NM_001350650.2); c.149C>G, p.Ala50Gly (NM_001128425.2, NM_001293190.2, NM_012222.3 and 2 more transcripts); c.125C>G, p.Ala42Gly (NM_001407087.1); c.-50C>G (NM_001407075.1); short protein forms A36G, A42G, A50G.
Identifiers: ClinVar variation 4113289 (VCV004113289.1).

ClinVar aggregate classification (germline): Uncertain significance (1 of 4 stars; one submission).

Conditions:
Hereditary cancer-predisposing syndrome. Also called: Tumor predisposition; Neoplastic Syndromes, Hereditary; Hereditary neoplastic syndrome; Hereditary Cancer Syndrome. Identifiers: Orphanet 140162, MedGen C0027672, MeSH D009386, MONDO:0015356.

Submission:

Ambry Genetics
Classification: Uncertain significance for Hereditary cancer-predisposing syndrome. Last evaluated: 2025-08-27. Review status: criteria provided, single submitter. Criteria: Ambry Variant Classification Scheme 2023. Collection method: clinical testing. Allele origin: germline.
Comment: The p.A50G variant (also known as c.149C>G), located in coding exon 2 of the MUTYH gene, results from a C to G substitution at nucleotide position 149. The alanine at codon 50 is replaced by glycine, an amino acid with similar properties. This amino acid position is conserved. In addition, this alteration is predicted to be tolerated by in silico analysis. Based on the available evidence, the clinical significance of this variant remains unclear.